The following is an entry in ClinVar:

ClinVar aggregate classification (germline): Uncertain significance (1 of 4 stars; one submission).

Submission:

Labcorp Genetics (formerly Invitae), Labcorp
Classification: Uncertain significance. Last evaluated: 2024-08-19. Review status: criteria provided, single submitter. Criteria: Invitae Variant Classification Sherloc (09022015). Collection method: clinical testing. Allele origin: germline.
Comment: This sequence change replaces threonine, which is neutral and polar, with serine, which is neutral and polar, at codon 1512 of the MPDZ protein (p.Thr1512Ser). This variant is not present in population databases (gnomAD no frequency). This variant has not been reported in the literature in individuals affected with MPDZ-related conditions. An algorithm developed to predict the effect of missense changes on protein structure and function (PolyPhen-2) suggests that this variant is likely to be tolerated. In summary, the available evidence is currently insufficient to determine the role of this variant in disease. Therefore, it has been classified as a Variant of Uncertain Significance.

NM_001378778.1(MPDZ):c.4534A>T (p.Thr1512Ser)

Gene: MPDZ (multiple PDZ domain crumbs cell polarity complex component; minus strand). Cytogenetic location: 9p23.
Variant type: single nucleotide variant.
Coding change: c.4534A>T on transcript NM_001378778.1 (MANE Select); coding-DNA position 4534, A replaced by T.
Protein change: p.Thr1512Ser; replaces threonine 1512 with serine.
Molecular consequence: missense variant.
Genome position (GRCh38, 1-based): chr9:13,126,703, T>A on the plus strand (A>T on the coding strand, the complement: MPDZ is on the minus strand). VCF-style: chr9-13126703-T-A. GRCh37 (hg19) VCF-style: chr9-13126702-T-A.
Other names: c.4435A>T, p.Thr1479Ser (NM_001261406.2, NM_001261407.2, NM_001375416.1 and 3 more transcripts); c.4534A>T, p.Thr1512Ser (NM_001330637.2, NM_003829.5); c.4633A>T, p.Thr1545Ser (NM_001375413.1); c.4324A>T, p.Thr1442Ser (NM_001375420.1, NM_001375421.1, NM_001375422.1 and 4 more transcripts); c.4126A>T, p.Thr1376Ser (NM_001375427.1); short protein forms T1376S, T1442S, T1545S, T1512S, T1479S.
Identifiers: ClinVar variation 2717880 (VCV002717880.3), dbSNP rs2488829090, ClinGen allele CA372947093.